The following is an entry in ClinVar:

ClinVar aggregate classification (germline): Uncertain significance (1 of 4 stars; one submission).

Conditions:
Brugada syndrome 8 (BRGDA8). Identifiers: Orphanet 130, MedGen C2751083, MONDO:0013148, OMIM 613123.

Allele frequency attached by ClinVar (database versions not stated): TOPMed below 0.00001.
gnomAD v4.1: 2 of 1,541,528 alleles (0.00013%); highest among the groups gnomAD compares: Non-Finnish European, 0.00017%; no homozygotes.

Submission:

Labcorp Genetics (formerly Invitae), Labcorp
Classification: Uncertain significance for Brugada syndrome 8. Last evaluated: 2023-05-02. Review status: criteria provided, single submitter. Criteria: Invitae Variant Classification Sherloc (09022015). Collection method: clinical testing. Allele origin: germline.
Comment: In summary, the available evidence is currently insufficient to determine the role of this variant in disease. Therefore, it has been classified as a Variant of Uncertain Significance. Advanced modeling of protein sequence and biophysical properties (such as structural, functional, and spatial information, amino acid conservation, physicochemical variation, residue mobility, and thermodynamic stability) performed at Invitae indicates that this missense variant is not expected to disrupt HCN4 protein function. This variant has not been reported in the literature in individuals affected with HCN4-related conditions. The frequency data for this variant in the population databases is considered unreliable, as metrics indicate poor data quality at this position in the gnomAD database. This sequence change replaces glycine, which is neutral and non-polar, with glutamic acid, which is acidic and polar, at codon 1097 of the HCN4 protein (p.Gly1097Glu).

NM_005477.3(HCN4):c.3290G>A (p.Gly1097Glu)

Gene: HCN4 (hyperpolarization activated cyclic nucleotide gated potassium channel 4; minus strand). Cytogenetic location: 15q24.1.
Variant type: single nucleotide variant.
Coding change: c.3290G>A on transcript NM_005477.3 (MANE Select); coding-DNA position 3290, G replaced by A.
Protein change: p.Gly1097Glu; replaces glycine 1097 with glutamic acid.
Molecular consequence: missense variant.
Genome position (GRCh38, 1-based): chr15:73,322,803, C>T on the plus strand (G>A on the coding strand, the complement: HCN4 is on the minus strand). VCF-style: chr15-73322803-C-T. GRCh37 (hg19) VCF-style: chr15-73615144-C-T.
Other names: short protein forms G1097E.
Identifiers: ClinVar variation 2967411 (VCV002967411.3), dbSNP rs1354550200, ClinGen allele CA393085765.